The following is an entry in ClinVar:

ClinVar aggregate classification (germline): Pathogenic/Likely pathogenic. Review status: criteria provided, multiple submitters, no conflicts (2 of 4 stars). 4 submissions from 4 submitters: Pathogenic (1); Likely pathogenic (3). Last evaluated 2025-11-04.

Conditions:
Neuronal ceroid lipofuscinosis. Also called: Neuronal Ceroid Lipofuscinoses. Identifiers: Orphanet 216, Orphanet 79263, MedGen C0027877, MONDO:0016295. Disease mechanism: loss of function.
Juvenile neuronal ceroid lipofuscinosis. Also called: Batten Disease. Identifiers: Orphanet 79264, MedGen CN293564, MONDO:0019262.
Neuronal ceroid lipofuscinosis 3 (CLN3). Identifiers: Orphanet 228346, MedGen C0751383, MONDO:0008767, OMIM 204200.

Submissions (4):

Natera, Inc.
Classification: Likely pathogenic for Batten Disease. Last evaluated: 2025-11-04. Review status: criteria provided, single submitter. Criteria: Natera Variant Classification Schema (03/2026). Collection method: clinical testing. Allele origin: germline.
Comment: The c.534-2A>G variant in CLN3 is a canonical splice acceptor site variant predicted to affect pre-mRNA splicing, which may result in an abnormal transcript and altered protein product. This variant is expected to result in nonsense mediated decay, truncation, or a dysfunctional protein product. This variant is rare in the general population with a frequency below the threshold expected for the associated phenotype(s). Given the available evidence, this variant is classified as Likely Pathogenic.

SingHealth Duke-NUS Institute of Precision Medicine
Classification: Likely pathogenic for Neuronal ceroid lipofuscinosis 3. Last evaluated: 2025-02-05. Review status: criteria provided, single submitter. Criteria: PRISM ACMG Classification Criteria. Collection method: clinical testing. Allele origin: germline. Affected: yes.
Comment: Variant is predicted to cause nonsense-mediated decay in a gene where LOF is a known cause of pathogenicity (PVS1). Variant is not found in gnomAD exomes or genomes (PM2)

Baylor Genetics
Classification: Pathogenic for Neuronal ceroid lipofuscinosis 3. Last evaluated: 2023-05-07. Review status: criteria provided, single submitter. Criteria: ACMG Guidelines, 2015. Collection method: clinical testing. Allele origin: unknown.

Labcorp Genetics (formerly Invitae), Labcorp
Classification: Likely pathogenic for Neuronal ceroid lipofuscinosis. Last evaluated: 2023-03-16. Review status: criteria provided, single submitter. Criteria: Invitae Variant Classification Sherloc (09022015). Collection method: clinical testing. Allele origin: germline.
Comment: This sequence change affects an acceptor splice site in intron 8 of the CLN3 gene. It is expected to disrupt RNA splicing. Variants that disrupt the donor or acceptor splice site typically lead to a loss of protein function (PMID: 16199547), and loss-of-function variants in CLN3 are known to be pathogenic (PMID: 9311735, 28542676). This variant is not present in population databases (gnomAD no frequency). This variant has not been reported in the literature in individuals affected with CLN3-related conditions. ClinVar contains an entry for this variant (Variation ID: 948224). Algorithms developed to predict the effect of sequence changes on RNA splicing suggest that this variant may disrupt the consensus splice site. In summary, the currently available evidence indicates that the variant is pathogenic, but additional data are needed to prove that conclusively. Therefore, this variant has been classified as Likely Pathogenic.

Literature cited by the submitters: PubMed 16199547 (cited by Labcorp Genetics (formerly Invitae), Labcorp); PubMed 9311735 (cited by Labcorp Genetics (formerly Invitae), Labcorp); PubMed 28542676 (cited by Labcorp Genetics (formerly Invitae), Labcorp).

NM_001042432.2(CLN3):c.534-2A>G

Gene: CLN3 (CLN3 lysosomal/endosomal transmembrane protein, battenin; minus strand). Cytogenetic location: 16p12.1.
Variant type: single nucleotide variant.
Coding change: c.534-2A>G on transcript NM_001042432.2 (MANE Select); the canonical splice acceptor site of the intron before coding-DNA position 534, A replaced by G.
Molecular consequence: splice acceptor variant.
Genome position (GRCh38, 1-based): chr16:28,486,492, T>C on the plus strand (A>G on the coding strand, the complement: CLN3 is on the minus strand). VCF-style: chr16-28486492-T-C. GRCh37 (hg19) VCF-style: chr16-28497813-T-C.
Other names: c.300-2A>G (NM_001286109.2); c.462-2A>G (NM_001286104.2); c.234-2A>G (NM_001286105.2); c.372-2A>G (NM_001286110.2); c.534-2A>G (NM_000086.2).
Identifiers: ClinVar variation 948224 (VCV000948224.11), dbSNP rs2046221354, ClinGen allele CA395345587.